The following is an entry in ClinVar:

NM_006206.6(PDGFRA):c.2061T>A (p.His687Gln)

Gene: PDGFRA (platelet derived growth factor receptor alpha; plus strand). Cytogenetic location: 4q12.
Variant type: single nucleotide variant.
Coding change: c.2061T>A on transcript NM_006206.6 (MANE Select); coding-DNA position 2061, T replaced by A.
Protein change: p.His687Gln; replaces histidine 687 with glutamine.
Molecular consequence: missense variant.
Genome position (GRCh38, 1-based): chr4:54,278,420, T>A. VCF-style: chr4-54278420-T-A. GRCh37 (hg19) VCF-style: chr4-55144587-T-A.
Other names: c.2061T>A, p.His687Gln (NM_001347827.2, NM_001347829.2); c.2136T>A, p.His712Gln (NM_001347828.2); c.2100T>A, p.His700Gln (NM_001347830.2); short protein forms H700Q, H687Q, H712Q.
Identifiers: ClinVar variation 3416378 (VCV003416378.1).

ClinVar aggregate classification (germline): Uncertain significance (1 of 4 stars; one submission).

Conditions:
Hereditary cancer-predisposing syndrome. Also called: Neoplastic Syndromes, Hereditary; Tumor predisposition; Hereditary Cancer Syndrome; Hereditary neoplastic syndrome. Identifiers: Orphanet 140162, MedGen C0027672, MeSH D009386, MONDO:0015356.

Submission:

Ambry Genetics
Classification: Uncertain significance for Hereditary cancer-predisposing syndrome. Last evaluated: 2024-07-15. Review status: criteria provided, single submitter. Criteria: Ambry Variant Classification Scheme 2023. Collection method: clinical testing. Allele origin: germline.
Comment: The p.H687Q variant (also known as c.2061T>A), located in coding exon 14 of the PDGFRA gene, results from a T to A substitution at nucleotide position 2061. The histidine at codon 687 is replaced by glutamine, an amino acid with highly similar properties. This amino acid position is conserved. In addition, this alteration is predicted to be deleterious by in silico analysis. Based on the available evidence, the clinical significance of this variant remains unclear.